The following is an entry in ClinVar:

ClinVar aggregate classification (germline): Likely benign. Review status: criteria provided, single submitter (1 of 4 stars). 2 submissions from 2 submitters: Likely benign (1). 1 of the submissions does not count toward it. Last evaluated 2025-06-12.

Conditions:
DCDC2-related disorder. Also called: DCDC2-related condition.
Autosomal recessive nonsyndromic hearing loss 66 (DFNB66). Also called: Deafness, autosomal recessive 66. Identifiers: Orphanet 90636, MedGen C1857750, MONDO:0012442, OMIM 610212.
Isolated neonatal sclerosing cholangitis (NSC). Also called: Sclerosing cholangitis, neonatal. Identifiers: Orphanet 480556, MedGen C4479344, MONDO:0018816, OMIM 617394.

Allele frequency attached by ClinVar (database versions not stated): ExAC 0.00002.
gnomAD v4.1: 5 of 1,605,516 alleles (0.00031%); highest among the groups gnomAD compares: Admixed American, 0.0086%; no homozygotes.

Submissions (2):

Labcorp Genetics (formerly Invitae), Labcorp
Classification: Likely benign for Autosomal recessive nonsyndromic hearing loss 66; Isolated neonatal sclerosing cholangitis. Last evaluated: 2025-06-12. Review status: criteria provided, single submitter. Criteria: Invitae Variant Classification Sherloc (09022015). Collection method: clinical testing. Allele origin: germline.

PreventionGenetics, part of Exact Sciences
Classification: Likely benign for DCDC2-related condition. Last evaluated: 2021-04-01. Review status: no assertion criteria provided. Collection method: clinical testing. Allele origin: germline. Not counted in ClinVar's aggregate classification.
Comment: This variant is classified as likely benign based on ACMG/AMP sequence variant interpretation guidelines (Richards et al. 2015 PMID: 25741868, with internal and published modifications).

NM_016356.5(DCDC2):c.558-5G>T

Gene: DCDC2 (doublecortin domain containing 2; minus strand). Cytogenetic location: 6p22.3.
Variant type: single nucleotide variant.
Coding change: c.558-5G>T on transcript NM_016356.5 (MANE Select); 5 bases into the intron before coding-DNA position 558, G replaced by T.
Molecular consequence: intron variant.
Genome position (GRCh38, 1-based): chr6:24,291,083, C>A on the plus strand (G>T on the coding strand, the complement: DCDC2 is on the minus strand). VCF-style: chr6-24291083-C-A. GRCh37 (hg19) VCF-style: chr6-24291311-C-A.
Other names: c.558-5G>T (NM_001195610.2, NM_016356.4).
Identifiers: ClinVar variation 2952344 (VCV002952344.5), dbSNP rs748792618, ClinGen allele CA3654717.